The following is an entry in ClinVar:

ClinVar aggregate classification (germline): Pathogenic/Likely pathogenic. Review status: criteria provided, multiple submitters, no conflicts (2 of 4 stars). 2 submissions from 2 submitters: Pathogenic (1); Likely pathogenic (1). Last evaluated 2026-10-02.

Conditions:
Mitochondrial myopathy-cerebellar ataxia-pigmentary retinopathy syndrome. Also called: MYOPATHY, MITOCHONDRIAL, AND ATAXIA. Identifiers: Orphanet 502423, MedGen C4540096, MONDO:0044714, OMIM 617675.

Allele frequency attached by ClinVar (database versions not stated): gnomAD exomes 0.00001.
gnomAD v4.1: 4 of 856,252 alleles (0.00047%); highest among the groups gnomAD compares: Admixed American, 0.0065%; no homozygotes.

Submissions (2):

GeneDx
Classification: Pathogenic. Last evaluated: 2026-10-02. Review status: criteria provided, single submitter. Criteria: GeneDx Variant Classification Process June 2021. Collection method: clinical testing. Allele origin: germline.
Comment: Nonsense variant predicted to result in protein truncation or nonsense mediated decay in a gene for which loss of function is a known mechanism of disease; Not observed at significant frequency in large population cohorts (gnomAD); Has not been previously published as pathogenic or benign to our knowledge

Variantyx, Inc.
Classification: Likely pathogenic for Mitochondrial myopathy-cerebellar ataxia-pigmentary retinopathy syndrome. Last evaluated: 2025-09-11. Review status: criteria provided, single submitter. Criteria: Variantyx Assertion Criteria 2022. Collection method: clinical testing. Allele origin: paternal. Inheritance: Semidominant inheritance.
Comment: Pathogenic variants in MSTO1 have been associated with autosomal semidominant mitochondrial myopathy and ataxia. It is predicted to result in premature termination and nonsense-mediated mRNA decay, thus preventing protein expression from this allele (PVS1), and loss of function, which is a known disease mechanism for PPOX in this disorder (PMID:29339779). This variant has not been reported in published medical literature or in ClinVar. Baswed on the curent evidence, this variant is classified as likely pathogenic for autosomal semidominant mitochondrial myopathy and ataxia.

Literature cited by the submitters: PubMed 29339779 (cited by Variantyx, Inc.).

NM_018116.4(MSTO1):c.100C>T (p.Arg34Ter)

Gene: MSTO1 (misato mitochondrial distribution and morphology regulator 1; plus strand). Cytogenetic location: 1q22.
Variant type: single nucleotide variant.
Coding change: c.100C>T on transcript NM_018116.4 (MANE Select); coding-DNA position 100, C replaced by T.
Protein change: p.Arg34Ter; replaces arginine 34 with a stop codon.
Molecular consequence: nonsense. On other transcripts: 5 prime UTR variant (14), non-coding transcript variant (6).
Genome position (GRCh38, 1-based): chr1:155,610,440, C>T. VCF-style: chr1-155610440-C-T. GRCh37 (hg19) VCF-style: chr1-155580231-C-T.
Other names: c.100C>T, p.Arg34Ter (NM_001256532.1, NM_001256533.1, NM_001350772.1 and 3 more transcripts); c.-188C>T (NM_001350776.1); c.-457C>T (NM_001350777.1, NM_001350779.1); c.-521C>T (NM_001350778.1); c.-573C>T (NM_001350780.1); c.-974C>T (NM_001350781.1); c.-499C>T (NM_001350782.1, NM_001350783.1, NM_001350786.1 and 1 more transcripts); c.-506C>T (NM_001350784.1, NM_001350787.1); and 2 more; short protein forms R34*.
Identifiers: ClinVar variation 2571791 (VCV002571791.6), dbSNP rs1673617254, ClinGen allele CA342755904.
Genomic context (GRCh38, chr1:155,610,440, plus strand): 5'-GTCCCGACGTTCAGCCGGCCTGCCTCGTCCTCTCTGCTTCCCCAGGATGCTGCGCTGGGC[C>T]GAGCGACCGATTCCAAGGAGCCCCCGGGAGAGCTGTGCCCCGACGTCCTGTATCGTACGG-3'